The following is an entry in ClinVar:

NM_005883.3(APC2):c.4958G>A (p.Arg1653Gln)

Gene: APC2 (APC regulator of Wnt signaling pathway 2; plus strand). Cytogenetic location: 19p13.3.
Variant type: single nucleotide variant.
Coding change: c.4958G>A on transcript NM_005883.3 (MANE Select); coding-DNA position 4958, G replaced by A.
Protein change: p.Arg1653Gln; replaces arginine 1653 with glutamine.
Molecular consequence: missense variant.
Genome position (GRCh38, 1-based): chr19:1,468,259, G>A. VCF-style: chr19-1468259-G-A. GRCh37 (hg19) VCF-style: chr19-1468258-G-A.
Other names: c.4955G>A, p.Arg1652Gln (NM_001351273.1); short protein forms R1653Q, R1652Q.
Identifiers: ClinVar variation 709496 (VCV000709496.14), dbSNP rs555371409, ClinGen allele CA9045939.

ClinVar aggregate classification (germline): Conflicting classifications of pathogenicity. Review status: criteria provided, conflicting classifications (1 of 4 stars). 5 submissions from 5 submitters: Uncertain significance (1); Likely benign (3). 1 of the submissions does not count toward it. Last evaluated 2025-10-06.

Conditions:
Inborn genetic diseases. Identifiers: MedGen C0950123, MeSH D030342.
APC2-related disorder. Also called: APC2-related condition; APC2-Related Disorders.

Allele frequency attached by ClinVar (database versions not stated): gnomAD exomes 0.00010 and 0.00019; ExAC 0.00015; 1000 Genomes Project 0.00060; 1000 Genomes Project 30x 0.00062; gnomAD 0.00122 and 0.00134; TOPMed 0.00146.
gnomAD v4.1: 330 of 1,524,078 alleles (0.022%); highest among the groups gnomAD compares: African/African-American, 0.41%; 1 homozygote.

Submissions (5):

Labcorp Genetics (formerly Invitae), Labcorp
Classification: Likely benign. Last evaluated: 2025-10-06. Review status: criteria provided, single submitter. Criteria: Invitae Variant Classification Sherloc (09022015). Collection method: clinical testing. Allele origin: germline.

Ambry Genetics
Classification: Likely benign for Inborn genetic diseases. Last evaluated: 2022-01-03. Review status: criteria provided, single submitter. Criteria: Ambry Variant Classification Scheme 2023. Collection method: clinical testing. Allele origin: germline.

Revvity Omics, Revvity
Classification: Uncertain significance. Last evaluated: 2021-07-17. Review status: criteria provided, single submitter. Criteria: ACMG Guidelines, 2015. Collection method: clinical testing. Allele origin: germline.

Breakthrough Genomics
Classification: Likely benign. Review status: criteria provided, single submitter. Criteria: ACMG Guidelines, 2015. Collection method: not provided. Allele origin: germline. Inheritance: Autosomal recessive inheritance. Affected: yes.

PreventionGenetics, part of Exact Sciences
Classification: Likely benign for APC2-related condition. Last evaluated: 2022-04-12. Review status: no assertion criteria provided. Collection method: clinical testing. Allele origin: germline. Not counted in ClinVar's aggregate classification.
Comment: This variant is classified as likely benign based on ACMG/AMP sequence variant interpretation guidelines (Richards et al. 2015 PMID: 25741868, with internal and published modifications).